The following is an entry in ClinVar:

ClinVar aggregate classification (germline): Uncertain significance (1 of 4 stars; one submission).

Submission:

Labcorp Genetics (formerly Invitae), Labcorp
Classification: Uncertain significance. Last evaluated: 2022-08-31. Review status: criteria provided, single submitter. Criteria: Invitae Variant Classification Sherloc (09022015). Collection method: clinical testing. Allele origin: germline.
Comment: This sequence change replaces proline, which is neutral and non-polar, with threonine, which is neutral and polar, at codon 2 of the CERKL protein (p.Pro2Thr). This variant is not present in population databases (gnomAD no frequency). This variant has not been reported in the literature in individuals affected with CERKL-related conditions. Algorithms developed to predict the effect of missense changes on protein structure and function are either unavailable or do not agree on the potential impact of this missense change (SIFT: "Tolerated"; PolyPhen-2: "Probably Damaging"; Align-GVGD: "Class C0"). In summary, the available evidence is currently insufficient to determine the role of this variant in disease. Therefore, it has been classified as a Variant of Uncertain Significance.

NM_201548.5(CERKL):c.4C>A (p.Pro2Thr)

Genes: CERKL (CERK like autophagy regulator; minus strand), LOC129935215 (ATAC-STARR-seq lymphoblastoid silent region 12158; plus strand). Cytogenetic location: 2q31.3.
Variant type: single nucleotide variant.
Coding change: c.4C>A on transcript NM_201548.5 (MANE Select); coding-DNA position 4, C replaced by A.
Protein change: p.Pro2Thr; replaces proline 2 with threonine.
Molecular consequence: missense variant. On other transcripts: non-coding transcript variant (2).
Genome position (GRCh38, 1-based): chr2:181,657,003, G>T on the plus strand (C>A on the coding strand, the complement: CERKL is on the minus strand). VCF-style: chr2-181657003-G-T. GRCh37 (hg19) VCF-style: chr2-182521730-G-T.
Other names: c.4C>A, p.Pro2Thr (NM_001030311.3, NM_001030312.3, NM_001030313.3 and 3 more transcripts); short protein forms P2T.
Identifiers: ClinVar variation 2087554 (VCV002087554.4), dbSNP rs1465218546, ClinGen allele CA349746028.